The following is an entry in ClinVar:

ClinVar aggregate classification (germline): Likely benign. Review status: criteria provided, single submitter (1 of 4 stars). 2 submissions from 2 submitters: Likely benign (1). 1 of the submissions does not count toward it. Last evaluated 2025-11-17.

Conditions:
MEGF8-related disorder. Also called: MEGF8-related condition.
MEGF8-related Carpenter syndrome. Also called: Carpenter syndrome 2. Identifiers: Orphanet 65759, MedGen C3554247, MONDO:0013998, OMIM 614976.

Allele frequency attached by ClinVar (database versions not stated): gnomAD exomes 0.00001; gnomAD 0.00002 and 0.00003; TOPMed 0.00002.
gnomAD v4.1: 26 of 1,607,724 alleles (0.0016%); highest among the groups gnomAD compares: Middle Eastern, 0.082%; no homozygotes.

Submissions (2):

Labcorp Genetics (formerly Invitae), Labcorp
Classification: Likely benign for MEGF8-related Carpenter syndrome. Last evaluated: 2025-11-17. Review status: criteria provided, single submitter. Criteria: Invitae Variant Classification Sherloc (09022015). Collection method: clinical testing. Allele origin: germline.

PreventionGenetics, part of Exact Sciences
Classification: Likely benign for MEGF8-related condition. Last evaluated: 2019-07-18. Review status: no assertion criteria provided. Collection method: clinical testing. Allele origin: germline. Not counted in ClinVar's aggregate classification.
Comment: This variant is classified as likely benign based on ACMG/AMP sequence variant interpretation guidelines (Richards et al. 2015 PMID: 25741868, with internal and published modifications).

NM_001271938.2(MEGF8):c.1017T>A (p.Ala339=)

Gene: MEGF8 (multiple EGF like domains 8; plus strand). Cytogenetic location: 19q13.2.
Variant type: single nucleotide variant.
Coding change: c.1017T>A on transcript NM_001271938.2 (MANE Select); coding-DNA position 1017, T replaced by A.
Protein change: p.Ala339=; no amino-acid change (alanine 339 retained).
Molecular consequence: synonymous variant.
Genome position (GRCh38, 1-based): chr19:42,336,119, T>A. VCF-style: chr19-42336119-T-A. GRCh37 (hg19) VCF-style: chr19-42840271-T-A.
Other names: c.1017T>A, p.Ala339= (NM_001410.3).
Identifiers: ClinVar variation 775415 (VCV000775415.6), dbSNP rs929955230, ClinGen allele CA308622031.
Genomic context (GRCh38, chr19:42,336,119, plus strand): 5'-GCTCCTGGCACCACCTGCCTCCAGCTCCTCGGGGCCCCCAGGCCTGGCAGGTCACGCGGC[T>A]GCCCTGGTGGATGATGTCTGGCTATATGTGTCTGGAGGCCGCACCCCGCACGACCTCTTC-3'
Protein context (NP_001258867.1, residues 329-349): SGPPGLAGHA[Ala339=]ALVDDVWLYV